The following is an entry in ClinVar:

ClinVar aggregate classification (germline): Pathogenic (1 of 4 stars; one submission).

Conditions:
Breast-ovarian cancer, familial, susceptibility to, 2 (BROVCA2). Also called: BRCA2 Hereditary Breast and Ovarian Cancer. Identifiers: Orphanet 145, MedGen C2675520, MONDO:0012933, OMIM 612555. Disease mechanism: loss of function.

Submission:

Myriad Genetics, Inc.
Classification: Pathogenic for Breast-ovarian cancer, familial, susceptibility to, 2. Last evaluated: 2026-08-14. Review status: criteria provided, single submitter. Criteria: Myriad Autosomal Dominant, Autosomal Recessive and X-Linked Classification Criteria (2023). Collection method: clinical testing. Allele origin: unknown.
Comment: This variant is considered pathogenic. This variant creates a frameshift predicted to result in premature protein truncation.

NM_000059.4(BRCA2):c.8975del (p.Pro2992fs)

Gene: BRCA2 (BRCA2 DNA repair associated; plus strand). Cytogenetic location: 13q13.1.
Variant type: Deletion.
Coding change: c.8975del on transcript NM_000059.4 (MANE Select); coding-DNA position 8975, one base deleted (C; older notation c.8975delC).
Protein change: p.Pro2992fs; shifts the reading frame from proline 2992.
Molecular consequence: frameshift variant. On other transcripts: non-coding transcript variant (1), intron variant (1).
Genome position (GRCh38, 1-based): chr13:32,379,771, C deleted; the last of 2 consecutive C bases (chr13:32,379,770-32,379,771); deleting either gives the same sequence. VCF-style (leftmost placement, unchanged base first): chr13-32379769-TC-T. GRCh37 (hg19) VCF-style: chr13-32953906-TC-T.
Other names: c.8879del, p.Pro2960fs (NM_001406719.1); c.4043del, p.Pro1348fs (NM_001406721.1); c.2558del, p.Pro853fs (NM_001406722.1); c.8975del, p.Pro2992fs (NM_001432077.1); c.8954-30del (NM_001406720.1); short protein forms P1348fs, P2960fs, P2992fs, P853fs.
Identifiers: ClinVar variation 5042250 (VCV005042250.1).